The following is an entry in ClinVar:

NM_000017.4(ACADS):c.352G>A (p.Val118Ile)

Gene: ACADS (acyl-CoA dehydrogenase short chain; plus strand). Cytogenetic location: 12q24.31.
Variant type: single nucleotide variant.
Coding change: c.352G>A on transcript NM_000017.4 (MANE Select); coding-DNA position 352, G replaced by A.
Protein change: p.Val118Ile; replaces valine 118 with isoleucine.
Molecular consequence: missense variant.
Genome position (GRCh38, 1-based): chr12:120,737,127, G>A. VCF-style: chr12-120737127-G-A. GRCh37 (hg19) VCF-style: chr12-121174930-G-A.
Other names: c.352G>A, p.Val118Ile (NM_001302554.2); short protein forms V118I.
Identifiers: ClinVar variation 2796223 (VCV002796223.3), dbSNP rs2501189075, ClinGen allele CA386614210.
Genomic context (GRCh38, chr12:120,737,127, plus strand): 5'-TACGCCATCGCCATGGAGGAGATCAGCCGTGGCTGCGCCTCCACCGGAGTCATCATGAGT[G>A]TCAACAACGTGAGCCCCCTCCCAGGCCCCTGGGACACACGGGTGGAGGGAGGCTCCCGTG-3'
Protein context (NP_000008.1, residues 108-128): GCASTGVIMS[Val118Ile]NNSLYLGPIL

ClinVar aggregate classification (germline): Uncertain significance (1 of 4 stars; one submission).

Conditions:
Deficiency of butyryl-CoA dehydrogenase (ACADSD). Also called: SCAD DEFICIENCY, MILD; ACYL-CoA DEHYDROGENASE, SHORT-CHAIN, DEFICIENCY OF; SCAD Deficiency; SCADH DEFICIENCY; ACADS DEFICIENCY; Short-Chain Acyl-CoA Dehydrogenase Deficiency. Identifiers: Orphanet 26792, MedGen C0342783, MONDO:0008722, OMIM 201470. Disease mechanism: May be benign.

Allele frequency attached by ClinVar (database versions not stated): gnomAD exomes below 0.00001.
gnomAD v4.1: 1 of 1,584,294 alleles (0.000063%); no homozygotes.

Submission:

Labcorp Genetics (formerly Invitae), Labcorp
Classification: Uncertain significance for Deficiency of butyryl-CoA dehydrogenase. Last evaluated: 2023-12-09. Review status: criteria provided, single submitter. Criteria: Invitae Variant Classification Sherloc (09022015). Collection method: clinical testing. Allele origin: germline.
Comment: This sequence change replaces valine, which is neutral and non-polar, with isoleucine, which is neutral and non-polar, at codon 118 of the ACADS protein (p.Val118Ile). This variant is not present in population databases (gnomAD no frequency). This variant has not been reported in the literature in individuals affected with ACADS-related conditions. Advanced modeling of protein sequence and biophysical properties (such as structural, functional, and spatial information, amino acid conservation, physicochemical variation, residue mobility, and thermodynamic stability) performed at Invitae indicates that this missense variant is expected to disrupt ACADS protein function with a positive predictive value of 80%. In summary, the available evidence is currently insufficient to determine the role of this variant in disease. Therefore, it has been classified as a Variant of Uncertain Significance.